The following is an entry in ClinVar:

ClinVar aggregate classification (germline): Conflicting classifications of pathogenicity. Review status: criteria provided, conflicting classifications (1 of 4 stars). 11 submissions from 10 submitters: Uncertain significance (8); Likely benign (1). 2 of the submissions do not count toward it. Last evaluated 2025-06-13.

Conditions:
Inborn genetic diseases. Identifiers: MedGen C0950123, MeSH D030342.
Autosomal dominant Alport syndrome (ATS3A). Also called: ALPORT SYNDROME 3A, AUTOSOMAL DOMINANT; Alport syndrome dominant type; Renal failure and sensorineural hearing loss. Identifiers: Orphanet 63, Orphanet 88918, MedGen C5882663, MONDO:0007086, OMIM 104200.
Autosomal recessive Alport syndrome (ATS2). Also called: ALPORT SYNDROME 2, AUTOSOMAL RECESSIVE; Alport syndrome type 2; COL4A3-Related Nephropathy; COL4A4 Alport Syndrome and Thin Basement Membrane Nephropathy. Identifiers: Orphanet 63, Orphanet 88919, MedGen C4746745, MONDO:0008762, OMIM 203780.
Alport syndrome. Also called: Hemorrhagic familial nephritis; Hemorrhagic hereditary nephritis; Congenital hereditary hematuria. Identifiers: Orphanet 63, MedGen C1567741, MONDO:0018965.
Hearing impairment. Also called: Impaired Hearing. Identifiers: MedGen C1384666, MONDO:0005365, HP:0000365.

Allele frequency attached by ClinVar (database versions not stated): gnomAD 0.00002 and 0.00005; TOPMed 0.00002; gnomAD exomes 0.00004; ExAC 0.00006; 1000 Genomes Project 0.00020; 1000 Genomes Project 30x 0.00031.
gnomAD v4.1: 68 of 1,614,132 alleles (0.0042%); highest among the groups gnomAD compares: East Asian, 0.085%; no homozygotes.

Submissions (11):

Ambry Genetics
Classification: Uncertain significance for Inborn genetic diseases. Last evaluated: 2025-06-13. Review status: criteria provided, single submitter. Criteria: Ambry Variant Classification Scheme 2023. Collection method: clinical testing. Allele origin: germline.

Labcorp Genetics (formerly Invitae), Labcorp
Classification: Likely benign. Last evaluated: 2024-12-12. Review status: criteria provided, single submitter. Criteria: Invitae Variant Classification Sherloc (09022015). Collection method: clinical testing. Allele origin: germline.

Women's Health and Genetics/Laboratory Corporation of America, LabCorp
Classification: Uncertain significance. Last evaluated: 2023-02-15. Review status: criteria provided, single submitter. Criteria: LabCorp Variant Classification Summary - May 2015. Collection method: clinical testing. Allele origin: germline.
Comment: Variant summary: COL4A3 c.1295C>T (p.Pro432Leu) results in a non-conservative amino acid change in the encoded protein sequence. Five of five in-silico tools predict a damaging effect of the variant on protein function. The variant allele was found at a frequency of 3.6e-05 in 249486 control chromosomes. The available data on variant occurrences in the general population are insufficient to allow any conclusion about variant significance. c.1295C>T has been reported in the literature in a cohort of hearing loss patients (Miyagawa_2013). This report does not provide unequivocal conclusions about association of the variant with Alport Syndrome, Autosomal Recessive. To our knowledge, no experimental evidence demonstrating an impact on protein function has been reported. Eight clinical diagnostic laboratories have submitted clinical-significance assessments for this variant to ClinVar after 2014 without evidence for independent evaluation. Seven submitters classified the variant as VUS while one classified as likely pathogenic. Based on the evidence outlined above, the variant was classified as uncertain significance.

Myriad Genetics, Inc.
Classification: Uncertain significance for Autosomal recessive Alport syndrome. Last evaluated: 2021-11-10. Review status: criteria provided, single submitter. Criteria: Myriad Women's Health Autosomal Recessive and X-Linked Classification Criteria (2021). Collection method: clinical testing. Allele origin: unknown.
Comment: NM_000091.4(COL4A3):c.1295C>T(P432L) is a missense variant classified as a variant of uncertain significance in the context of COL4A3-related Alport syndrome. P432L has not been observed in cases with relevant disease. Functional assessments of this variant are not available in the literature. P432L has been observed in population frequency databases (gnomAD: EAS 0.02%). In summary, there is insufficient evidence to classify NM_000091.4(COL4A3):c.1295C>T(P432L) as pathogenic or benign. Please note: this variant was assessed in the context of healthy population screening.

Genome-Nilou Lab
Classification: Uncertain significance for Autosomal recessive Alport syndrome. Last evaluated: 2021-07-14. Review status: criteria provided, single submitter. Criteria: ACMG Guidelines, 2015. Collection method: clinical testing. Allele origin: germline. Affected: no.

Genome-Nilou Lab
Classification: Uncertain significance for Autosomal dominant Alport syndrome. Last evaluated: 2021-07-14. Review status: criteria provided, single submitter. Criteria: ACMG Guidelines, 2015. Collection method: clinical testing. Allele origin: germline. Affected: no.

Department of Otolaryngology – Head & Neck Surgery, Cochlear Implant Center
Classification: Uncertain significance for Hearing impairment. Last evaluated: 2021-04-12. Review status: criteria provided, single submitter. Criteria: ClinGen HL ACMG Specifications v1. Collection method: clinical testing. Allele origin: germline. Affected: yes.
Comment: PS1_Supporting, PM2_Moderate, PP3_Supporting

GeneDx
Classification: Uncertain significance. Last evaluated: 2020-04-07. Review status: criteria provided, single submitter. Criteria: GeneDx Variant Classification Process June 2021. Collection method: clinical testing. Allele origin: germline. Affected: yes.
Comment: In silico analysis supports that this missense variant has a deleterious effect on protein structure/function; Occurs in the triple helical domain at the Y position in the canonical Gly-X-Y repeat; although this variant may have an effect on normal protein folding and function, missense substitution at the Y position is not a common mechanism of disease; This variant is associated with the following publications: (PMID: 23967202)

Illumina Laboratory Services, Illumina
Classification: Uncertain significance for Alport syndrome. Last evaluated: 2017-04-28. Review status: criteria provided, single submitter. Criteria: ICSL Variant Classification Criteria 13 December 2019. Collection method: clinical testing. Allele origin: germline.

Bioscientia Institut fuer Medizinische Diagnostik GmbH, Sonic Healthcare
Classification: Likely pathogenic for Autosomal dominant Alport syndrome. Last evaluated: 2020-02-07. Review status: no assertion criteria provided. Collection method: clinical testing. Allele origin: germline. Affected: yes. Not counted in ClinVar's aggregate classification.

Natera, Inc.
Classification: Uncertain significance for Alport syndrome. Last evaluated: 2020-01-16. Review status: no assertion criteria provided. Collection method: clinical testing. Allele origin: germline. Not counted in ClinVar's aggregate classification.

Literature cited by the submitters: PubMed 34753855 (cited by Ambry Genetics); PubMed 39597783 (cited by Ambry Genetics); PubMed 23967202 (cited by Women's Health and Genetics/Laboratory Corporation of America, LabCorp and Department of Otolaryngology – Head & Neck Surgery, Cochlear Implant Center).

NM_000091.5(COL4A3):c.1295C>T (p.Pro432Leu)

Genes: COL4A3 (collagen type IV alpha 3 chain; plus strand), MFF-DT (MFF divergent transcript; minus strand). Cytogenetic location: 2q36.3.
Variant type: single nucleotide variant.
Coding change: c.1295C>T on transcript NM_000091.5 (MANE Select); coding-DNA position 1295, C replaced by T.
Protein change: p.Pro432Leu; replaces proline 432 with leucine.
Molecular consequence: missense variant.
Genome position (GRCh38, 1-based): chr2:227,263,924, C>T. VCF-style: chr2-227263924-C-T. GRCh37 (hg19) VCF-style: chr2-228128640-C-T.
Other names: short protein forms P432L.
Identifiers: ClinVar variation 550720 (VCV000550720.26), dbSNP rs534253913, ClinGen allele CA2146596.